The following is an entry in ClinVar:

ClinVar aggregate classification (germline): Conflicting classifications of pathogenicity. Review status: criteria provided, conflicting classifications (1 of 4 stars). 3 submissions from 3 submitters: Uncertain significance (1); Likely benign (2). Last evaluated 2025-10-07.

Conditions:
KLHL7-related disorder. Also called: KLHL7-related condition; KLHL7-related disorders.

Allele frequency attached by ClinVar (database versions not stated): gnomAD 0.00002; ESP Exome Variant Server 0.00008.
gnomAD v4.1: 88 of 1,613,726 alleles (0.0055%); highest among the groups gnomAD compares: Non-Finnish European, 0.0071%; no homozygotes.

Submissions (3):

Labcorp Genetics (formerly Invitae), Labcorp
Classification: Likely benign. Last evaluated: 2025-10-07. Review status: criteria provided, single submitter. Criteria: Invitae Variant Classification Sherloc (09022015). Collection method: clinical testing. Allele origin: germline.

PreventionGenetics, part of Exact Sciences
Classification: Likely benign for KLHL7-related condition. Last evaluated: 2025-05-28. Review status: criteria provided, single submitter. Criteria: ACMG Guidelines, 2015. Collection method: clinical testing. Allele origin: germline.
Comment: This variant is classified as likely benign based on ACMG/AMP sequence variant interpretation guidelines (Richards et al. 2015 PMID: 25741868, with internal and published modifications).

Blueprint Genetics
Classification: Uncertain significance. Last evaluated: 2018-03-27. Review status: criteria provided, single submitter. Criteria: ACMG Guidelines, 2015. Collection method: clinical testing. Allele origin: germline.

NM_001031710.3(KLHL7):c.619-8C>G

Gene: KLHL7 (kelch like family member 7; plus strand). Cytogenetic location: 7p15.3.
Variant type: single nucleotide variant.
Coding change: c.619-8C>G on transcript NM_001031710.3 (MANE Select); 8 bases into the intron before coding-DNA position 619, C replaced by G.
Molecular consequence: intron variant.
Genome position (GRCh38, 1-based): chr7:23,143,843, C>G. VCF-style: chr7-23143843-C-G. GRCh37 (hg19) VCF-style: chr7-23183462-C-G.
Other names: c.619-8C>G (NM_001031710.2); c.475-8C>G (NM_018846.5).
Identifiers: ClinVar variation 1080399 (VCV001080399.11), dbSNP rs370934491, ClinGen allele CA4186468.